The following is an entry in ClinVar:

NM_016616.5(NME8):c.1600C>G (p.Arg534Gly)

Gene: NME8 (NME/NM23 family member 8; plus strand). Cytogenetic location: 7p14.1.
Variant type: single nucleotide variant.
Coding change: c.1600C>G on transcript NM_016616.5 (MANE Select); coding-DNA position 1600, C replaced by G.
Protein change: p.Arg534Gly; replaces arginine 534 with glycine.
Molecular consequence: missense variant.
Genome position (GRCh38, 1-based): chr7:37,896,925, C>G. VCF-style: chr7-37896925-C-G. GRCh37 (hg19) VCF-style: chr7-37936527-C-G.
Other names: short protein forms R534G.
Identifiers: ClinVar variation 1017316 (VCV001017316.8), dbSNP rs142525551, ClinGen allele CA4222578.

ClinVar aggregate classification (germline): Uncertain significance (1 of 4 stars; one submission).

Conditions:
Primary ciliary dyskinesia 6. Also called: Primary Ciliary Dyskinesia 6: TXNDC3-Related Primary Ciliary Dyskinesia. Identifiers: Orphanet 244, MedGen C1970506, MONDO:0012571, OMIM 610852.

gnomAD v4.1: 127 of 1,613,652 alleles (0.0079%); highest among the groups gnomAD compares: Non-Finnish European, 0.01%; no homozygotes.

Submission:

Labcorp Genetics (formerly Invitae), Labcorp
Classification: Uncertain significance for Primary ciliary dyskinesia 6. Last evaluated: 2025-05-14. Review status: criteria provided, single submitter. Criteria: Invitae Variant Classification Sherloc (09022015). Collection method: clinical testing. Allele origin: germline.
Comment: This sequence change replaces arginine, which is basic and polar, with glycine, which is neutral and non-polar, at codon 534 of the NME8 protein (p.Arg534Gly). This variant is present in population databases (rs142525551, gnomAD 0.01%). This variant has not been reported in the literature in individuals affected with NME8-related conditions. ClinVar contains an entry for this variant (Variation ID: 1017316). Invitae Evidence Modeling of protein sequence and biophysical properties (such as structural, functional, and spatial information, amino acid conservation, physicochemical variation, residue mobility, and thermodynamic stability) indicates that this missense variant is not expected to disrupt NME8 protein function with a negative predictive value of 80%. In summary, the available evidence is currently insufficient to determine the role of this variant in disease. Therefore, it has been classified as a Variant of Uncertain Significance.